The following is an entry in ClinVar:

NM_000540.3(RYR1):c.14707G>A (p.Glu4903Lys)

Gene: RYR1 (ryanodine receptor 1; plus strand). Cytogenetic location: 19q13.2.
Variant type: single nucleotide variant.
Coding change: c.14707G>A on transcript NM_000540.3 (MANE Select); coding-DNA position 14707, G replaced by A.
Protein change: p.Glu4903Lys; replaces glutamic acid 4903 with lysine.
Molecular consequence: missense variant.
Genome position (GRCh38, 1-based): chr19:38,585,003, G>A. VCF-style: chr19-38585003-G-A. GRCh37 (hg19) VCF-style: chr19-39075643-G-A.
Other names: c.14692G>A, p.Glu4898Lys (NM_001042723.2); short protein forms E4898K, E4903K.
Identifiers: ClinVar variation 3385631 (VCV003385631.3).

ClinVar aggregate classification (germline): Uncertain significance. Review status: criteria provided, multiple submitters, no conflicts (2 of 4 stars). 3 submissions from 3 submitters: Uncertain significance (3). Last evaluated 2026-01-12.

Conditions:
RYR1-related disorder. Also called: RYR1-related condition; RYR1-related disorders. Identifiers: MedGen CN239331.
Malignant hyperthermia, susceptibility to, 1 (MHS1). Also called: Malignant hyperthermia suceptibility 1; RYR1-Related Malignant Hyperthermia Susceptibility; Anesthesia related hyperthermia; Malignant hyperpyrexia; Fulminating hyperpyrexia; Pharmacogenic myopathy. Identifiers: Orphanet 423, MedGen C2930980, MONDO:0007783, OMIM 145600.

gnomAD v4.1: 16 of 1,614,030 alleles (0.00099%); highest among the groups gnomAD compares: East Asian, 0.0045%; no homozygotes.

Submissions (3):

PreventionGenetics, part of Exact Sciences
Classification: Uncertain significance for RYR1-related condition. Last evaluated: 2026-01-12. Review status: criteria provided, single submitter. Criteria: ACMG Guidelines, 2015. Collection method: clinical testing. Allele origin: germline.
Comment: The RYR1 c.14707G>A variant is predicted to result in the amino acid substitution p.Glu4903Lys. This variant has been reported in an individual with neonatal hypotonia (Wang et al 2016. PubMed ID: 27353517) and in individuals with myalgia and/or rhabdomyolysis (Witting N et al 2017. PubMed ID: 29635721; Lyu et al. 2024. PubMed ID: 39045890). This variant is reported in 0.00088% of alleles in individuals of European (Non-Finnish) descent in gnomAD. At this time, the clinical significance of this variant is uncertain due to the absence of conclusive functional and genetic evidence.

All of Us Research Program, National Institutes of Health
Classification: Uncertain significance for Malignant hyperthermia, susceptibility to, 1. Last evaluated: 2024-08-13. Review status: criteria provided, single submitter. Criteria: ACMG Guidelines, 2015. Collection method: clinical testing. Allele origin: germline. Inheritance: Autosomal dominant inheritance. Observed: 2 variant alleles, 2 heterozygotes.
Comment: This missense variant replaces glutamic acid with lysine at codon 4903 of the RYR1 protein. Computational prediction suggests that this variant may have deleterious impact on protein structure and function. To our knowledge, functional studies have not been reported for this variant. This variant has not been reported in individuals affected with malignant hyperthermia susceptibility in the literature. This variant has been identified in 1/251298 chromosomes in the general population by the Genome Aggregation Database (gnomAD). The available evidence is insufficient to determine the role of this variant in disease conclusively. Therefore, this variant is classified as a Variant of Uncertain Significance.

This study involves interpretation of variants in research participants for the purpose of population health screening. Participant phenotype was not available at the time of variant classification. Additional details can be found in publication PMID: 35346344, PMCID: PMC8962531

Color Diagnostics, LLC DBA Color Health
Classification: Uncertain significance for Malignant hyperthermia, susceptibility to, 1. Last evaluated: 2024-02-02. Review status: criteria provided, single submitter. Criteria: ACMG Guidelines, 2015. Collection method: clinical testing. Allele origin: germline.
Comment: This missense variant replaces glutamic acid with lysine at codon 4903 of the RYR1 protein. Computational prediction suggests that this variant may have deleterious impact on protein structure and function. To our knowledge, functional studies have not been reported for this variant. This variant has not been reported in individuals affected with malignant hyperthermia susceptibility in the literature. This variant has been identified in 1/251298 chromosomes in the general population by the Genome Aggregation Database (gnomAD). The available evidence is insufficient to determine the role of this variant in disease conclusively. Therefore, this variant is classified as a Variant of Uncertain Significance.